The following is an entry in ClinVar:

ClinVar aggregate classification (germline): Likely benign. Review status: criteria provided, multiple submitters, no conflicts (2 of 4 stars). 3 submissions from 3 submitters: Likely benign (3). Last evaluated 2025-10-10.

Allele frequency attached by ClinVar (database versions not stated): gnomAD 0.00005 and 0.00006; TOPMed 0.00006; gnomAD exomes 0.00007 and 0.00008.
gnomAD v4.1: 99 of 1,445,142 alleles (0.0069%); highest among the groups gnomAD compares: Middle Eastern, 0.16%; no homozygotes.

Submissions (3):

Labcorp Genetics (formerly Invitae), Labcorp
Classification: Likely benign. Last evaluated: 2025-10-10. Review status: criteria provided, single submitter. Criteria: Invitae Variant Classification Sherloc (09022015). Collection method: clinical testing. Allele origin: germline.

Women's Health and Genetics/Laboratory Corporation of America, LabCorp
Classification: Likely benign. Last evaluated: 2023-09-12. Review status: criteria provided, single submitter. Criteria: LabCorp Variant Classification Summary - May 2015. Collection method: clinical testing. Allele origin: germline.
Comment: Variant summary: ACAN c.1429+15G>A alters a non-conserved nucleotide located at a position not widely known to affect splicing. Consensus agreement among computation tools predict no significant impact on normal splicing. However, these predictions have yet to be confirmed by functional studies. The variant allele was found at a frequency of 8.1e-05 in 74386 control chromosomes (gnomAD). The available data on variant occurrences in the general population are insufficient to allow any conclusion about variant significance. To our knowledge, no occurrence of c.1429+15G>A in individuals affected with ACAN-Related Disorders and no experimental evidence demonstrating its impact on protein function have been reported. One submitter has cited clinical-significance assessments for this variant to ClinVar after 2014 and has classified the variant as likely benign. Based on the evidence outlined above, the variant was classified as likely benign.

Blueprint Genetics
Classification: Likely benign. Last evaluated: 2023-07-07. Review status: criteria provided, single submitter. Criteria: ACMG Guidelines, 2015. Collection method: clinical testing. Allele origin: germline.

NM_001369268.1(ACAN):c.1429+15G>A

Gene: ACAN (aggrecan; plus strand). Cytogenetic location: 15q26.1.
Variant type: single nucleotide variant.
Coding change: c.1429+15G>A on transcript NM_001369268.1 (MANE Select); 15 bases into the intron after coding-DNA position 1429, G replaced by A.
Molecular consequence: intron variant.
Genome position (GRCh38, 1-based): chr15:88,845,897, G>A. VCF-style: chr15-88845897-G-A. GRCh37 (hg19) VCF-style: chr15-89389128-G-A.
Other names: c.1429+15G>A (NM_013227.4, NM_001135.4).
Identifiers: ClinVar variation 1657527 (VCV001657527.10), dbSNP rs762554069, ClinGen allele CA7719541.